The following is an entry in ClinVar:

NM_001754.5(RUNX1):c.351+1G>C

Gene: RUNX1 (RUNX family transcription factor 1; minus strand). Cytogenetic location: 21q22.12.
Variant type: single nucleotide variant.
Coding change: c.351+1G>C on transcript NM_001754.5 (MANE Select); the canonical splice donor site of the intron after coding-DNA position 351, G replaced by C.
Molecular consequence: splice donor variant.
Genome position (GRCh38, 1-based): chr21:34,886,842, C>G on the plus strand (G>C on the coding strand, the complement: RUNX1 is on the minus strand). VCF-style: chr21-34886842-C-G. GRCh37 (hg19) VCF-style: chr21-36259139-C-G.
Other names: c.270+1G>C (NM_001001890.3, NM_001122607.2).
Identifiers: ClinVar variation 409822 (VCV000409822.11), dbSNP rs1060502579, ClinGen allele CA16616270.

ClinVar aggregate classification (germline): Likely pathogenic. Review status: reviewed by expert panel (3 of 4 stars). 3 submissions from 3 submitters: Likely pathogenic (1). 2 of the submissions do not count toward it. Last evaluated 2026-10-05.

Conditions:
Hereditary thrombocytopenia and hematologic cancer predisposition syndrome. Identifiers: Orphanet 71290, MedGen CN281654, MONDO:0011071.
Hereditary thrombocytopenia and hematological cancer predisposition syndrome associated with RUNX1. Also called: PLATELET DISORDER, ASPIRIN-LIKE; Familial thrombocytopenia with propensity to acute myelogenous leukemia; RUNX1 Familial Platelet Disorder with Associated Myeloid Malignancies; Familial Platelet Disorder with Propensity to Acute Myelogenous Leukemia. Identifiers: Orphanet 71290, MedGen C1832388, MeSH C563324, MONDO:0100083, OMIM 601399.

Submissions (3):

ClinGen Myeloid Malignancy Variant Curation Expert Panel
Classification: Likely pathogenic for Hereditary thrombocytopenia and hematologic cancer predisposition syndrome. Last evaluated: 2026-10-05. Review status: reviewed by expert panel. Criteria: ClinGen MyeloMalig ACMG Specifications V3.1. Collection method: curation. Allele origin: germline. Inheritance: Autosomal dominant inheritance.
Comment: NM_001754.4(RUNX1):c.351+1G>C is a canonical splice site variant which is predicted to introduce a premature stop codon and expected to result in NMD (PVS1). This variant is completely absent from all population databases with at least 20x coverage for RUNX1 (PM2_Supporting). In summary, this variant meets criteria to be classified as likely pathogenic. ACMG/AMP criteria applied, as specified by the Myeloid Malignancy Variant Curation Expert Panel for RUNX1: PVS1, PM2_Supporting.

Labcorp Genetics (formerly Invitae), Labcorp
Classification: Pathogenic for Hereditary thrombocytopenia and hematological cancer predisposition syndrome associated with RUNX1. Last evaluated: 2021-09-10. Review status: criteria provided, single submitter. Criteria: Invitae Variant Classification Sherloc (09022015). Collection method: clinical testing. Allele origin: germline. Not counted in ClinVar's aggregate classification.
Comment: Disruption of this splice site has been observed in individuals with thrombocytopenia, familial platelet disorder with propensity to myeloid malignancy, and acute myeloid leukemia (AML) (PMID: 18723428, 24100448, 27931139, 28102861, 28240786). For these reasons, this variant has been classified as Pathogenic. Algorithms developed to predict the effect of sequence changes on RNA splicing suggest that this variant may disrupt the consensus splice site. ClinVar contains an entry for this variant (Variation ID: 409822). This variant is not present in population databases (ExAC no frequency). This sequence change affects a donor splice site in intron 4 of the RUNX1 gene. It is expected to disrupt RNA splicing. Variants that disrupt the donor or acceptor splice site typically lead to a loss of protein function (PMID: 16199547), and loss-of-function variants in RUNX1 are known to be pathogenic (PMID: 18723428, 24100448).

PreventionGenetics, part of Exact Sciences
Classification: Likely pathogenic. Last evaluated: 2016-10-09. Review status: criteria provided, single submitter. Criteria: ACMG Guidelines, 2015. Collection method: clinical testing. Allele origin: germline. Not counted in ClinVar's aggregate classification.

Literature cited by the submitters: PubMed 18723428 (cited by Labcorp Genetics (formerly Invitae), Labcorp); PubMed 24100448 (cited by Labcorp Genetics (formerly Invitae), Labcorp); PubMed 27931139 (cited by Labcorp Genetics (formerly Invitae), Labcorp); PubMed 28102861 (cited by Labcorp Genetics (formerly Invitae), Labcorp); PubMed 28240786 (cited by Labcorp Genetics (formerly Invitae), Labcorp); PubMed 16199547 (cited by Labcorp Genetics (formerly Invitae), Labcorp).